The following is an entry in ClinVar:

NM_170665.4(ATP2A2):c.912dup (p.Ala305fs)

Gene: ATP2A2 (ATPase sarcoplasmic/endoplasmic reticulum Ca2+ transporting 2; plus strand). Cytogenetic location: 12q24.11.
Variant type: Duplication.
Coding change: c.912dup on transcript NM_170665.4 (MANE Select); coding-DNA position 912, one base duplicated (A; older notation c.912dupA).
Protein change: p.Ala305fs; shifts the reading frame from alanine 305.
Molecular consequence: frameshift variant.
Genome position (GRCh38, 1-based): chr12:110,327,834, A duplicated. VCF-style (leftmost placement, unchanged base first): chr12-110327833-T-TA. GRCh37 (hg19) VCF-style: chr12-110765638-T-TA.
Other names: c.807dup, p.Ala270fs (NM_001413013.1); c.912dup, p.Ala305fs (NM_001413014.1, NM_001681.4); c.537dup, p.Ala180fs (NM_001413015.1); short protein forms A180fs, A270fs, A305fs.
Identifiers: ClinVar variation 3359259 (VCV003359259.2).

ClinVar aggregate classification (germline): Likely pathogenic (0 of 4 stars; one submission).

Conditions:
Keratosis follicularis (DAR). Also called: Darier disease; Darier's disease. Identifiers: Orphanet 218, MedGen C0022595, MONDO:0007417, OMIM 124200.

Submission:

Medical Genetics Unit, Mauro Baschirotto Institute for Rare Disease
Classification: Likely pathogenic for Keratosis follicularis. Last evaluated: 2024-06-07. Review status: no assertion criteria provided. Collection method: provider interpretation. Allele origin: germline. Affected: yes. Observed: 1 variant allele.
Comment: The c.912dup variant has not been published as a pathogenic variant, nor has it been reported as a benign variant to our knowledge. This variant causes a frameshift starting with codon Ala 305, changes this amino acid to a Ser residue and creates a premature Stop codon at position 5 of the new reading frame, denoted p.Ala305Serfs*5.To our knowledge, this variant has not been reported in the literature or in a large population database, indicating this variant is rare. This variant occurs in M4-domain. This small duplication gives rise to a frameshift resulting in a premature stop codon and protein truncation. According to Franklin by genoox ACMG classification this null mutation results in a loss of function which is a known mechanism of disease (PVS1 very strong). Therefore, this variant is classified likely pathogenic.